The following is an entry in ClinVar:

NM_001378454.1(ALMS1):c.209A>C (p.Asp70Ala)

Gene: ALMS1 (ALMS1 centrosome and basal body associated protein; plus strand). Cytogenetic location: 2p13.1.
Variant type: single nucleotide variant.
Coding change: c.209A>C on transcript NM_001378454.1 (MANE Select); coding-DNA position 209, A replaced by C.
Protein change: p.Asp70Ala; replaces aspartic acid 70 with alanine.
Molecular consequence: missense variant.
Genome position (GRCh38, 1-based): chr2:73,386,077, A>C. VCF-style: chr2-73386077-A-C. GRCh37 (hg19) VCF-style: chr2-73613205-A-C.
Other names: c.212A>C, p.Asp71Ala (NM_015120.4); short protein forms D70A, D71A.
Identifiers: ClinVar variation 3353956 (VCV003353956.1).

ClinVar aggregate classification (germline): Uncertain significance (0 of 4 stars; one submission).

Conditions:
ALMS1-related disorder. Also called: ALMS1-related condition.

Submission:

PreventionGenetics, part of Exact Sciences
Classification: Uncertain significance for ALMS1-related condition. Last evaluated: 2024-04-16. Review status: no assertion criteria provided. Collection method: clinical testing. Allele origin: germline.
Comment: The ALMS1 c.212A>C variant is predicted to result in the amino acid substitution p.Glu71Ala. To our knowledge, this variant has not been reported in the literature. This variant is reported in 0.0032% of alleles in individuals of Latino descent in gnomAD. At this time, the clinical significance of this variant is uncertain due to the absence of conclusive functional and genetic evidence.